The following is an entry in ClinVar:

ClinVar aggregate classification (germline): Uncertain significance. Review status: criteria provided, multiple submitters, no conflicts (2 of 4 stars). 2 submissions from 2 submitters: Uncertain significance (2). Last evaluated 2026-07-21.

Conditions:
Cardiovascular phenotype. Identifiers: MedGen CN230736.

Allele frequency attached by ClinVar (database versions not stated): gnomAD exomes below 0.00001; ExAC 0.00001.
gnomAD v4.1: 1 of 1,613,498 alleles (0.000062%); highest among the groups gnomAD compares: East Asian, 0.0022%; no homozygotes.

Submissions (2):

Ambry Genetics
Classification: Uncertain significance for Cardiovascular phenotype. Last evaluated: 2026-07-21. Review status: criteria provided, single submitter. Criteria: Ambry Variant Classification Scheme 2023. Collection method: clinical testing. Allele origin: germline.
Comment: The p.G2797V variant (also known as c.8390G>T), located in coding exon 23 of the TNXB gene, results from a G to T substitution at nucleotide position 8390. The glycine at codon 2797 is replaced by valine, an amino acid with dissimilar properties. This amino acid position is conserved. In addition, this alteration is predicted to be tolerated by in silico analysis. Based on the available evidence, the clinical significance of this variant remains unclear.

GeneDx
Classification: Uncertain significance. Last evaluated: 2019-12-04. Review status: criteria provided, single submitter. Criteria: GeneDx Variant Classification Process June 2021. Collection method: clinical testing. Allele origin: germline. Affected: yes.
Comment: Has not been previously published as pathogenic or benign to our knowledge; Not observed at a significant frequency in large population cohorts (Lek et al., 2016); In silico analysis, which includes protein predictors and evolutionary conservation, supports a deleterious effect

NM_001365276.2(TNXB):c.8390G>T (p.Gly2797Val)

Gene: TNXB (tenascin XB; minus strand). Cytogenetic location: 6p21.33.
Variant type: single nucleotide variant.
Coding change: c.8390G>T on transcript NM_001365276.2 (MANE Select); coding-DNA position 8390, G replaced by T.
Protein change: p.Gly2797Val; replaces glycine 2797 with valine.
Molecular consequence: missense variant.
Genome position (GRCh38, 1-based): chr6:32,055,928, C>A on the plus strand (G>T on the coding strand, the complement: TNXB is on the minus strand). VCF-style: chr6-32055928-C-A. GRCh37 (hg19) VCF-style: chr6-32023705-C-A.
Other names: c.8390G>T, p.Gly2797Val (NM_019105.8); short protein forms G2797V.
Identifiers: ClinVar variation 1310813 (VCV001310813.3), dbSNP rs773956135, ClinGen allele CA3733862.